The following is an entry in ClinVar:

NM_000384.3(APOB):c.1975C>T (p.Leu659Phe)

Gene: APOB (apolipoprotein B; minus strand). Cytogenetic location: 2p24.1.
Variant type: single nucleotide variant.
Coding change: c.1975C>T on transcript NM_000384.3 (MANE Select); coding-DNA position 1975, C replaced by T.
Protein change: p.Leu659Phe; replaces leucine 659 with phenylalanine.
Molecular consequence: missense variant.
Genome position (GRCh38, 1-based): chr2:21,027,920, G>A on the plus strand (C>T on the coding strand, the complement: APOB is on the minus strand). VCF-style: chr2-21027920-G-A. GRCh37 (hg19) VCF-style: chr2-21250792-G-A.
Other names: short protein forms L659F.
Identifiers: ClinVar variation 924674 (VCV000924674.12), dbSNP rs1026800482, ClinGen allele CA43523738.
Genomic context (GRCh38, chr2:21,027,920, plus strand): 5'-CAGTGAGGGTAGTTTTCAGCATGCTTTCTTTAGGAAGGTAGTTATTTGGATCAAATATAA[G>A]ATTCCCTTCTATTTTGGCTGAGGCTGGGTCAAGTGATGGAAGAGAAACAGATTTGTAGAG-3'
Protein context (NP_000375.3, residues 649-669): DPASAKIEGN[Leu659Phe]IFDPNNYLPK

ClinVar aggregate classification (germline): Uncertain significance. Review status: criteria provided, multiple submitters, no conflicts (2 of 4 stars). 7 submissions from 7 submitters: Uncertain significance (5). 2 of the submissions do not count toward it. Last evaluated 2026-01-13.

Conditions:
Familial hypobetalipoproteinemia 1. Also called: Hypobetalipoproteinemia, normotriglyceridemic; Acanthocytosis with hypobetalipoproteinemia; APOB-Related Familial Hypobetalipoproteinemia. Identifiers: MedGen C4551990, MONDO:0014252, OMIM 615558.
Cardiovascular phenotype. Identifiers: MedGen CN230736.
Hypercholesterolemia, autosomal dominant, type B (FHCL2). Also called: Familial Hypercholesterolemia Type B; Familial hypercholesterolemia 2; Hyperlipoproteinemia Type IIb; HYPERCHOLESTEROLEMIA, FAMILIAL, DUE TO LIGAND-DEFECTIVE APOLIPOPROTEIN B; APOLIPOPROTEIN B-100, FAMILIAL DEFECTIVE; APOLIPOPROTEIN B-100, FAMILIAL LIGAND-DEFECTIVE. Identifiers: MedGen C1704417, MONDO:0007751, OMIM 144010.

Allele frequency attached by ClinVar (database versions not stated): gnomAD exomes 0.00001.
gnomAD v4.1: 13 of 1,614,126 alleles (0.00081%); highest among the groups gnomAD compares: Middle Eastern, 0.033%; no homozygotes.

Submissions (7):

Labcorp Genetics (formerly Invitae), Labcorp
Classification: Uncertain significance for Familial hypobetalipoproteinemia 1; Hypercholesterolemia, autosomal dominant, type B. Last evaluated: 2026-01-13. Review status: criteria provided, single submitter. Criteria: Invitae Variant Classification Sherloc (09022015). Collection method: clinical testing. Allele origin: germline.
Comment: This sequence change replaces leucine, which is neutral and non-polar, with phenylalanine, which is neutral and non-polar, at codon 659 of the APOB protein (p.Leu659Phe). This variant is not present in population databases (gnomAD no frequency). This variant has not been reported in the literature in individuals affected with APOB-related conditions. ClinVar contains an entry for this variant (Variation ID: 924674). Invitae Evidence Modeling of protein sequence and biophysical properties (such as structural, functional, and spatial information, amino acid conservation, physicochemical variation, residue mobility, and thermodynamic stability) indicates that this missense variant is not expected to disrupt APOB protein function with a negative predictive value of 95%. In summary, the available evidence is currently insufficient to determine the role of this variant in disease. Therefore, it has been classified as a Variant of Uncertain Significance.

Ambry Genetics
Classification: Uncertain significance for Cardiovascular phenotype. Last evaluated: 2025-02-23. Review status: criteria provided, single submitter. Criteria: Ambry Variant Classification Scheme 2023. Collection method: clinical testing. Allele origin: germline.
Comment: The p.L659F variant (also known as c.1975C>T), located in coding exon 14 of the APOB gene, results from a C to T substitution at nucleotide position 1975. The leucine at codon 659 is replaced by phenylalanine, an amino acid with highly similar properties. This amino acid position is conserved. In addition, this alteration is predicted to be tolerated by in silico analysis. Since supporting evidence is limited at this time, the clinical significance of this alteration remains unclear.

Genomic Medicine Center of Excellence, King Faisal Specialist Hospital and Research Centre
Classification: Uncertain significance for Familial hypobetalipoproteinemia 1. Last evaluated: 2024-03-26. Review status: criteria provided, single submitter. Criteria: ACMG Guidelines, 2015. Collection method: clinical testing. Allele origin: germline.

Blueprint Genetics
Classification: Uncertain significance. Last evaluated: 2024-02-16. Review status: criteria provided, single submitter. Criteria: ACMG Guidelines, 2015. Collection method: clinical testing. Allele origin: germline.

Victorian Clinical Genetics Services, Murdoch Childrens Research Institute
Classification: Uncertain significance for Familial hypobetalipoproteinemia 1. Last evaluated: 2021-05-06. Review status: criteria provided, single submitter. Criteria: ACMG Guidelines, 2015. Collection method: clinical testing. Allele origin: germline. Affected: yes.
Comment: Based on the classification scheme VCGS_Germline_v1.3.4, this variant is classified as VUS-3B. Following criteria are met: 0102 - Loss of function is a known mechanism of disease in this gene and is associated with familial hypercholesterolemia 2 (MIM#144010) and hypobetalipoproteinemia (MIM#615558). (I) 0108 - This gene is associated with both recessive and dominant disease. Familial hypercholesterolemia 2 (MIM#144010) is inherited in an autosomal dominant manner, whereas hypobetalipoproteinemia (MIM#615558) is recessive (OMIM). (I) 0112 - The condition associated with this gene has incomplete penetrance (PMID: 24404629). (I) 0200 - Variant is predicted to result in a missense amino acid change from leucine to phenylalanine. (I) 0251 - This variant is heterozygous. (I) 0301 - Variant is absent from gnomAD (both v2 and v3). (SP) 0502 - Missense variant with conflicting in silico predictions and uninformative conservation. (I) 0600 - Variant is located in the annotated domain of unknown function 1943 (NCBI, DECIPHER). (I) 0705 - No comparable missense variants have previous evidence for pathogenicity. (I) 0809 - Previous evidence of pathogenicity for this variant is inconclusive as it has been reported only as a VUS (ClinVar, LOVD). (I) 0905 - No published segregation evidence has been identified for this variant. (I) 1007 - No published functional evidence has been identified for this variant. (I) 1208 - Inheritance information for this variant is not currently available in this individual. (I) Legend: (SP) - Supporting pathogenic, (I) - Information, (SB) - Supporting benign

Clinical Genetics DNA and cytogenetics Diagnostics Lab, Erasmus MC, Erasmus Medical Center
Classification: Uncertain significance. Review status: no assertion criteria provided. Collection method: clinical testing. Allele origin: germline. Affected: yes. Study: VKGL Data-share Consensus. Not counted in ClinVar's aggregate classification.

Clinical Genetics, Academic Medical Center
Classification: Uncertain significance. Review status: no assertion criteria provided. Collection method: clinical testing. Allele origin: germline. Affected: yes. Study: VKGL Data-share Consensus. Not counted in ClinVar's aggregate classification.

Literature cited by the submitters: PubMed 24404629 (cited by Victorian Clinical Genetics Services, Murdoch Childrens Research Institute).